The following is an entry in ClinVar:

ClinVar aggregate classification (germline): Uncertain significance (1 of 4 stars; one submission).

Conditions:
Ehlers-Danlos syndrome, type 4 (EDSVASC). Also called: Ehlers-Danlos Syndrome Type IV; Ehlers-Danlos syndrome vascular type; Ehlers Danlos syndrome, ecchymotic type; Ehlers Danlos syndrome, arterial type; Ehlers Danlos syndrome, Sack-Barabas type. Identifiers: Orphanet 286, MedGen C0268338, MONDO:0017314, OMIM 130050.

Submission:

All of Us Research Program, National Institutes of Health
Classification: Uncertain significance for Ehlers-Danlos syndrome, type 4. Last evaluated: 2023-03-04. Review status: criteria provided, single submitter. Criteria: ACMG Guidelines, 2015. Collection method: clinical testing. Allele origin: germline. Inheritance: Autosomal dominant inheritance. Observed: 1 variant allele, 1 heterozygote.
Comment: This study involves interpretation of variants in research participants for the purpose of population health screening. Participant phenotype was not available at the time of variant classification. Additional details can be found in publication PMID: 35346344, PMCID: PMC8962531

NM_000090.4(COL3A1):c.3115T>G (p.Ser1039Ala)

Gene: COL3A1 (collagen type III alpha 1 chain; plus strand). Cytogenetic location: 2q32.2.
Variant type: single nucleotide variant.
Coding change: c.3115T>G on transcript NM_000090.4 (MANE Select); coding-DNA position 3115, T replaced by G.
Protein change: p.Ser1039Ala; replaces serine 1039 with alanine.
Molecular consequence: missense variant.
Genome position (GRCh38, 1-based): chr2:189,006,366, T>G. VCF-style: chr2-189006366-T-G. GRCh37 (hg19) VCF-style: chr2-189871092-T-G.
Other names: short protein forms S1039A.
Identifiers: ClinVar variation 3069435 (VCV003069435.1), dbSNP rs2469158102, ClinGen allele CA349845050.
Genomic context (GRCh38, chr2:189,006,366, plus strand): 5'-ATCATCATGTTTATTTTGTACCTATGAATTTGTTCACAGGGTGATCGTGGTGAAAATGGC[T>G]CTCCTGGTGCCCCTGGCGCTCCTGGTCATCCAGGCCCACCTGGTCCTGTCGGTCCAGCTG-3'
Protein context (NP_000081.2, residues 1029-1049): GGKGDRGENG[Ser1039Ala]PGAPGAPGHP